The following is an entry in ClinVar:

NM_001267550.2(TTN):c.105380T>C (p.Leu35127Ser)

Genes: TTN-AS1 (TTN antisense RNA 1; plus strand), TTN (titin; minus strand). Cytogenetic location: 2q31.2.
Variant type: single nucleotide variant.
Coding change: c.105380T>C on transcript NM_001267550.2 (MANE Select); coding-DNA position 105380, T replaced by C.
Protein change: p.Leu35127Ser; replaces leucine 35127 with serine.
Molecular consequence: missense variant.
Genome position (GRCh38, 1-based): chr2:178,531,235, A>G on the plus strand (T>C on the coding strand, the complement: TTN is on the minus strand). VCF-style: chr2-178531235-A-G. GRCh37 (hg19) VCF-style: chr2-179395962-A-G.
Other names: c.100457T>C, p.Leu33486Ser (NM_001256850.1); c.78185T>C, p.Leu26062Ser (NM_003319.4); c.97676T>C, p.Leu32559Ser (NM_133378.4); c.78560T>C, p.Leu26187Ser (NM_133432.3); c.78761T>C, p.Leu26254Ser (NM_133437.4); short protein forms L26062S, L26187S, L35127S, L26254S, L32559S, L33486S.
Identifiers: ClinVar variation 1760754 (VCV001760754.7), dbSNP rs2468402486, ClinGen allele CA349408880.

ClinVar aggregate classification (germline): Uncertain significance. Review status: criteria provided, multiple submitters, no conflicts (2 of 4 stars). 2 submissions from 2 submitters: Uncertain significance (2). Last evaluated 2022-08-30.

Conditions:
Autosomal recessive limb-girdle muscular dystrophy type 2J (LGMDR10). Also called: Limb-girdle muscular dystrophy, type 2J; MUSCULAR DYSTROPHY, LIMB-GIRDLE, AUTOSOMAL RECESSIVE 10. Identifiers: Orphanet 140922, MedGen C1837342, MONDO:0012127, OMIM 608807.
Dilated cardiomyopathy 1G (CMD1G). Identifiers: Orphanet 154, MedGen C1858763, MONDO:0011400, OMIM 604145.
Cardiovascular phenotype. Identifiers: MedGen CN230736.

Submissions (2):

Labcorp Genetics (formerly Invitae), Labcorp
Classification: Uncertain significance for Dilated cardiomyopathy 1G; Autosomal recessive limb-girdle muscular dystrophy type 2J. Last evaluated: 2022-08-30. Review status: criteria provided, single submitter. Criteria: Invitae Variant Classification Sherloc (09022015). Collection method: clinical testing. Allele origin: germline.
Comment: This variant has not been reported in the literature in individuals affected with TTN-related conditions. This variant is not present in population databases (gnomAD no frequency). This sequence change replaces leucine, which is neutral and non-polar, with serine, which is neutral and polar, at codon 35127 of the TTN protein (p.Leu35127Ser). This variant is located in the M band of TTN (PMID: 25589632). Variants in this region may be relevant for neuromuscular disorders, but have not been definitively shown to cause cardiomyopathy (PMID: 23975875). In summary, the available evidence is currently insufficient to determine the role of this variant in disease. Therefore, it has been classified as a Variant of Uncertain Significance. Experimental studies and prediction algorithms are not available or were not evaluated, and the functional significance of this variant is currently unknown.

Ambry Genetics
Classification: Uncertain significance for Cardiovascular phenotype. Last evaluated: 2019-05-15. Review status: criteria provided, single submitter. Criteria: Ambry Variant Classification Scheme 2023. Collection method: clinical testing. Allele origin: germline.
Comment: The p.L26062S variant (also known as c.78185T>C), located in coding exon 185 of the TTN gene, results from a T to C substitution at nucleotide position 78185. The leucine at codon 26062 is replaced by serine, an amino acid with dissimilar properties. This amino acid position is well conserved in available vertebrate species. In addition, this alteration is predicted to be tolerated by in silico analysis. Since supporting evidence is limited at this time, the clinical significance of this alteration remains unclear.

Literature cited by the submitters: PubMed 25589632 (cited by Labcorp Genetics (formerly Invitae), Labcorp); PubMed 23975875 (cited by Labcorp Genetics (formerly Invitae), Labcorp).